The following is an entry in ClinVar:

Conditions:
Breast-ovarian cancer, familial, susceptibility to, 1 (BROVCA1). Also called: BRCA1 Hereditary Breast and Ovarian Cancer; OVARIAN CANCER, SUSCEPTIBILITY TO. Identifiers: Orphanet 145, MedGen C2676676, MONDO:0011450, OMIM 604370. Disease mechanism: loss of function.

Submission:

Brotman Baty Institute, University of Washington
No classification provided (evidence only). Condition: Breast-ovarian cancer, familial 1. Review status: no classification provided. Collection method: in vitro. Allele origin: not applicable. Functional consequence: function_uncertain_variant.
ClinVar note: "not provided" was previously submitted as the classification for the variant. However, the classification appeared to be based only on an observation of functional data so it was converted to no classification on 2025-07-30.

NM_007294.4(BRCA1):c.290C>A (p.Thr97Lys)

Gene: BRCA1 (BRCA1 DNA repair associated; minus strand). Cytogenetic location: 17q21.31.
Variant type: single nucleotide variant.
Coding change: c.290C>A on transcript NM_007294.4 (MANE Select); coding-DNA position 290, C replaced by A.
Protein change: p.Thr97Lys; replaces threonine 97 with lysine.
Molecular consequence: missense variant. On other transcripts: non-coding transcript variant (1).
Genome position (GRCh38, 1-based): chr17:43,104,879, G>T on the plus strand (C>A on the coding strand, the complement: BRCA1 is on the minus strand). VCF-style: chr17-43104879-G-T. GRCh37 (hg19) VCF-style: chr17-41256896-G-T.
Other names: c.212C>A, p.Thr71Lys (NM_001408411.1, NM_001408412.1, NM_001408413.1 and 21 more transcripts); c.290C>A, p.Thr97Lys (NM_001408418.1, NM_001408419.1, NM_001408420.1 and 168 more transcripts); c.158C>A, p.Thr53Lys (NM_001408451.1); c.149C>A, p.Thr50Lys (NM_001408452.1, NM_001408453.1, NM_001408454.1 and 99 more transcripts); c.80C>A, p.Thr27Lys (NM_001408478.1, NM_001408479.1, NM_001408480.1 and 58 more transcripts); c.-92C>A (NM_001408510.1, NM_001408512.1, NM_001407959.1 and 4 more transcripts); short protein forms T50K, T97K, T27K, T53K, T71K.
Identifiers: ClinVar variation 865374 (VCV000865374.3), dbSNP rs431825393, ClinGen allele CA10601573.